The following is an entry in ClinVar:

NM_004260.4(RECQL4):c.2873C>T (p.Ala958Val)

Gene: RECQL4 (RecQ like helicase 4; minus strand). Cytogenetic location: 8q24.3.
Variant type: single nucleotide variant.
Coding change: c.2873C>T on transcript NM_004260.4 (MANE Select); coding-DNA position 2873, C replaced by T.
Protein change: p.Ala958Val; replaces alanine 958 with valine.
Molecular consequence: missense variant.
Genome position (GRCh38, 1-based): chr8:144,512,654, G>A on the plus strand (C>T on the coding strand, the complement: RECQL4 is on the minus strand). VCF-style: chr8-144512654-G-A. GRCh37 (hg19) VCF-style: chr8-145738037-G-A.
Other names: short protein forms A958V.
Identifiers: ClinVar variation 1492075 (VCV001492075.6), dbSNP rs758952928, ClinGen allele CA4948046.

ClinVar aggregate classification (germline): Uncertain significance (1 of 4 stars; one submission).

Conditions:
Baller-Gerold syndrome (BGS). Also called: CRANIOSYNOSTOSIS WITH RADIAL DEFECTS. Identifiers: Orphanet 1225, MedGen C0265308, MONDO:0009039, OMIM 218600.

Allele frequency attached by ClinVar (database versions not stated): gnomAD exomes 0.00002; ExAC 0.00003.
gnomAD v4.1: 7 of 1,612,556 alleles (0.00043%); highest among the groups gnomAD compares: South Asian, 0.0077%; no homozygotes.

Submission:

Labcorp Genetics (formerly Invitae), Labcorp
Classification: Uncertain significance for Baller-Gerold syndrome. Last evaluated: 2024-04-22. Review status: criteria provided, single submitter. Criteria: Invitae Variant Classification Sherloc (09022015). Collection method: clinical testing. Allele origin: germline.
Comment: This sequence change replaces alanine, which is neutral and non-polar, with valine, which is neutral and non-polar, at codon 958 of the RECQL4 protein (p.Ala958Val). This variant is present in population databases (rs758952928, gnomAD 0.01%). This variant has not been reported in the literature in individuals affected with RECQL4-related conditions. ClinVar contains an entry for this variant (Variation ID: 1492075). Advanced modeling of protein sequence and biophysical properties (such as structural, functional, and spatial information, amino acid conservation, physicochemical variation, residue mobility, and thermodynamic stability) performed at Invitae indicates that this missense variant is not expected to disrupt RECQL4 protein function with a negative predictive value of 80%. In summary, the available evidence is currently insufficient to determine the role of this variant in disease. Therefore, it has been classified as a Variant of Uncertain Significance.